The following is an entry in ClinVar:

NM_000059.4(BRCA2):c.5608_5613del (p.Phe1870_Ser1871del)

Gene: BRCA2 (BRCA2 DNA repair associated; plus strand). Cytogenetic location: 13q13.1.
Variant type: Deletion.
Coding change: c.5608_5613del on transcript NM_000059.4 (MANE Select); coding-DNA positions 5608 to 5613, 6 bases deleted (TTCAGT; older notation c.5608_5613delTTCAGT).
Protein change: p.Phe1870_Ser1871del.
Molecular consequence: inframe deletion.
Genome position (GRCh38, 1-based): chr13:32,339,963-32,339,968, TTCAGT deleted; deleting any 6 consecutive bases within chr13:32,339,959-32,339,968 gives the same sequence; the c. name uses the placement nearest the transcript's 3' end. VCF-style (leftmost placement, unchanged base first): chr13-32339958-ACAGTTT-A. GRCh37 (hg19) VCF-style: chr13-32914095-ACAGTTT-A.
Other names: c.5608_5613delTTCAGT (NM_000059.3).
Identifiers: ClinVar variation 420724 (VCV000420724.22), dbSNP rs1064794661, ClinGen allele CA16619728.
Genomic context (GRCh38, chr13:32,339,958, plus strand): 5'-GTGGTAAAATCGTTTGTGTTTCACATGAAACAATTAAAAAAGTGAAAGACATATTTACAG[ACAGTTT>A]CAGTAAAGTAATTAAGGAAAACAACGAGAATAAATCAAAAATTTGCCAAACGAAAATTAT-3'

ClinVar aggregate classification (germline): Uncertain significance. Review status: criteria provided, multiple submitters, no conflicts (2 of 4 stars). 6 submissions from 6 submitters: Uncertain significance (6). Last evaluated 2026-01-08.

Conditions:
Hereditary cancer-predisposing syndrome. Also called: Hereditary neoplastic syndrome; Tumor predisposition; Neoplastic Syndromes, Hereditary; Hereditary Cancer Syndrome. Identifiers: Orphanet 140162, MedGen C0027672, MeSH D009386, MONDO:0015356.
Hereditary breast ovarian cancer syndrome. Also called: Hereditary breast and ovarian cancer; Hereditary breast and/or ovarian cancer syndrome; Hereditary breast and ovarian cancer syndrome; Hereditary breast and ovarian cancer syndrome (HBOC); Breast and ovarian cancer; BRCA1- and BRCA2-Associated Hereditary Breast and Ovarian Cancer. Identifiers: Orphanet 145, MedGen C0677776, MeSH D061325, MONDO:0003582. Disease mechanism: loss of function.
BRCA2-related cancer predisposition. Identifiers: MedGen CN377758, MONDO:0700269.

Submissions (6):

Labcorp Genetics (formerly Invitae), Labcorp
Classification: Uncertain significance for Hereditary breast ovarian cancer syndrome. Last evaluated: 2026-01-08. Review status: criteria provided, single submitter. Criteria: Invitae Variant Classification Sherloc (09022015). Collection method: clinical testing. Allele origin: germline.
Comment: This variant, c.5608_5613del, results in the deletion of 2 amino acid(s) of the BRCA2 protein (p.Phe1870_Ser1871del), but otherwise preserves the integrity of the reading frame. This variant is not present in population databases (gnomAD no frequency). This variant has been observed in individual(s) with a personal and/or family history of BRCA2-related cancers (PMID: 32720237). ClinVar contains an entry for this variant (Variation ID: 420724). Experimental studies and prediction algorithms are not available or were not evaluated, and the functional significance of this variant is currently unknown. In summary, the available evidence is currently insufficient to determine the role of this variant in disease. Therefore, it has been classified as a Variant of Uncertain Significance.

Ambry Genetics
Classification: Uncertain significance for Hereditary cancer-predisposing syndrome. Last evaluated: 2025-04-28. Review status: criteria provided, single submitter. Criteria: Ambry Variant Classification Scheme 2023. Collection method: clinical testing. Allele origin: germline.
Comment: The c.5608_5613delTTCAGT variant (also known as p.F1870_S1871del) is located in coding exon 10 of the BRCA2 gene. This variant results from an in-frame TTCAGT deletion at nucleotide positions 5608 to 5613. This results in the in-frame deletion of two amino acids (FS) at codons 1870 to 1871. This alteration was detected in a cohort of 1666 patients undergoing genetic assessment at a hereditary breast and ovarian cancer center (Chapman-Davis E et al. J Gen Intern Med, 2021 Jan;36:35-42). The deleted amino acid region is poorly conserved in available vertebrate species. In addition, this alteration is predicted to be deleterious by in silico analysis (Choi Y et al. PLoS ONE. 2012; 7(10):e46688). Based on the available evidence, the clinical significance of this variant remains unclear.

All of Us Research Program, National Institutes of Health
Classification: Uncertain significance for BRCA2-related cancer predisposition. Last evaluated: 2024-06-09. Review status: criteria provided, single submitter. Criteria: ACMG Guidelines, 2015. Collection method: clinical testing. Allele origin: germline. Inheritance: Autosomal dominant inheritance. Observed: 3 variant alleles, 3 heterozygotes.
Comment: This variant causes the deletion of two amino acids, phenylalanine and serine at codons 1870 and 1871, in the BRCA2 protein. To our knowledge, functional studies have not been reported for this variant. This variant has been reported in an individual with a personal or family history of BRCA2-related cancer (PMID: 32720237). This variant has not been identified in the general population by the Genome Aggregation Database (gnomAD). The available evidence is insufficient to determine the role of this variant in disease conclusively. Therefore, this variant is classified as a Variant of Uncertain Significance.

This study involves interpretation of variants in research participants for the purpose of population health screening. Participant phenotype was not available at the time of variant classification. Additional details can be found in publication PMID: 35346344, PMCID: PMC8962531

Color Diagnostics, LLC DBA Color Health
Classification: Uncertain significance for Hereditary cancer-predisposing syndrome. Last evaluated: 2024-04-24. Review status: criteria provided, single submitter. Criteria: ACMG Guidelines, 2015. Collection method: clinical testing. Allele origin: germline.
Comment: This variant causes the deletion of two amino acids, phenylalanine and serine at codons 1870 and 1871, in the BRCA2 protein. To our knowledge, functional studies have not been reported for this variant. This variant has been reported in an individual with a personal or family history of BRCA2-related cancer (PMID: 32720237). This variant has not been identified in the general population by the Genome Aggregation Database (gnomAD). The available evidence is insufficient to determine the role of this variant in disease conclusively. Therefore, this variant is classified as a Variant of Uncertain Significance.

GeneDx
Classification: Uncertain significance. Last evaluated: 2024-03-26. Review status: criteria provided, single submitter. Criteria: GeneDx Variant Classification Process June 2021. Collection method: clinical testing. Allele origin: germline. Affected: yes.
Comment: In-frame deletion of two amino acids in a non-repeat region; Observed in at least one individual individuals undergoing assessment for hereditary breast and ovarian cancer (PMID: 32720237); In silico analysis supports a deleterious effect on protein splicing; Also known as 5836_5841delTTCAGT; This variant is associated with the following publications: (PMID: 32720237)

Quest Diagnostics Nichols Institute San Juan Capistrano
Classification: Uncertain significance. Last evaluated: 2018-02-18. Review status: criteria provided, single submitter. Criteria: Quest Diagnostics criteria. Collection method: clinical testing. Allele origin: germline.

Literature cited by the submitters: PubMed 32720237 (cited by 4 submitters).